The following is an entry in ClinVar:

ClinVar aggregate classification (germline): Uncertain significance (1 of 4 stars; one submission).

Submission:

Labcorp Genetics (formerly Invitae), Labcorp
Classification: Uncertain significance. Last evaluated: 2025-02-24. Review status: criteria provided, single submitter. Criteria: Invitae Variant Classification Sherloc (09022015). Collection method: clinical testing. Allele origin: germline.
Comment: This sequence change replaces aspartic acid, which is acidic and polar, with tyrosine, which is neutral and polar, at codon 1143 of the NEXMIF protein (p.Asp1143Tyr). This variant is not present in population databases (gnomAD no frequency). This variant has not been reported in the literature in individuals affected with NEXMIF-related conditions. ClinVar contains an entry for this variant (Variation ID: 2823574). An algorithm developed to predict the effect of missense changes on protein structure and function (PolyPhen-2) suggests that this variant is likely to be disruptive. In summary, the available evidence is currently insufficient to determine the role of this variant in disease. Therefore, it has been classified as a Variant of Uncertain Significance.

NM_001008537.3(NEXMIF):c.3427G>T (p.Asp1143Tyr)

Gene: NEXMIF (neurite extension and migration factor; minus strand). Cytogenetic location: Xq13.3.
Variant type: single nucleotide variant.
Coding change: c.3427G>T on transcript NM_001008537.3 (MANE Select); coding-DNA position 3427, G replaced by T.
Protein change: p.Asp1143Tyr; replaces aspartic acid 1143 with tyrosine.
Molecular consequence: missense variant.
Genome position (GRCh38, 1-based): chrX:74,741,130, C>A on the plus strand (G>T on the coding strand, the complement: NEXMIF is on the minus strand). VCF-style: chrX-74741130-C-A. GRCh37 (hg19) VCF-style: chrX-73960965-C-A.
Other names: short protein forms D1143Y.
Identifiers: ClinVar variation 2823574 (VCV002823574.3), dbSNP rs267606510, ClinGen allele CA413665967.